The following is an entry in ClinVar:

ClinVar aggregate classification (germline): Uncertain significance (1 of 4 stars; one submission).

Conditions:
Intellectual developmental disorder, autosomal dominant 1. Also called: Intellectual disability, autosomal dominant 1; MBD5 Haploinsufficiency. Identifiers: Orphanet 228402, MedGen C1969562, MONDO:0007974, OMIM 156200.

gnomAD v4.1: 1 of 1,614,078 alleles (0.000062%); highest among the groups gnomAD compares: Non-Finnish European, 0.000085%; no homozygotes.

Submission:

Labcorp Genetics (formerly Invitae), Labcorp
Classification: Uncertain significance for Intellectual developmental disorder, autosomal dominant 1. Last evaluated: 2024-10-25. Review status: criteria provided, single submitter. Criteria: Invitae Variant Classification Sherloc (09022015). Collection method: clinical testing. Allele origin: germline.
Comment: This sequence change falls in intron 12 of the MBD5 gene. It does not directly change the encoded amino acid sequence of the MBD5 protein. It affects a nucleotide within the consensus splice site. This variant is not present in population databases (gnomAD no frequency). This variant has not been reported in the literature in individuals affected with MBD5-related conditions. ClinVar contains an entry for this variant (Variation ID: 1509888). Variants that disrupt the consensus splice site are a relatively common cause of aberrant splicing (PMID: 17576681, 9536098). Algorithms developed to predict the effect of sequence changes on RNA splicing suggest that this variant is not likely to affect RNA splicing. In summary, the available evidence is currently insufficient to determine the role of this variant in disease. Therefore, it has been classified as a Variant of Uncertain Significance.

Literature cited by the submitters: PubMed 17576681; PubMed 9536098.

NM_001378120.1(MBD5):c.4962+6C>A

Gene: MBD5 (methyl-CpG binding domain protein 5; plus strand). Cytogenetic location: 2q23.1.
Variant type: single nucleotide variant.
Coding change: c.4962+6C>A on transcript NM_001378120.1 (MANE Select); 6 bases into the intron after coding-DNA position 4962, C replaced by A.
Molecular consequence: intron variant.
Genome position (GRCh38, 1-based): chr2:148,490,600, C>A. VCF-style: chr2-148490600-C-A. GRCh37 (hg19) VCF-style: chr2-149248169-C-A.
Other names: c.4263+6C>A (NM_018328.5).
Identifiers: ClinVar variation 1509888 (VCV001509888.6), dbSNP rs2105133581, ClinGen allele CA2573133306.